The following is an entry in ClinVar:

NM_002968.3(SALL1):c.1950C>T (p.Gly650=)

Gene: SALL1 (spalt like transcription factor 1; minus strand). Cytogenetic location: 16q12.1.
Variant type: single nucleotide variant.
Coding change: c.1950C>T on transcript NM_002968.3 (MANE Select); coding-DNA position 1950, C replaced by T.
Protein change: p.Gly650=; no amino-acid change (glycine 650 retained).
Molecular consequence: synonymous variant.
Genome position (GRCh38, 1-based): chr16:51,140,272, G>A on the plus strand (C>T on the coding strand, the complement: SALL1 is on the minus strand). VCF-style: chr16-51140272-G-A. GRCh37 (hg19) VCF-style: chr16-51174183-G-A.
Other names: c.1659C>T, p.Gly553= (NM_001127892.2).
Identifiers: ClinVar variation 386666 (VCV000386666.38), dbSNP rs138705495, ClinGen allele CA8053192.
Genomic context (GRCh38, chr16:51,140,272, plus strand): 5'-GAACTGCTCGGACATGAGCGGCAACAAAGGGTTGGTGAAGGTGGTGGCACTGCCCGCGGG[G>A]CCGCAGTCTGCCGCTGGGGAGCTCAGGACGCTACTGCTCGCCGTCGGGACTGAGTTGGTG-3'
Protein context (NP_002959.2, residues 640-660): SVLSSPAADC[Gly650=]PAGSATTFTN

ClinVar aggregate classification (germline): Benign/Likely benign. Review status: criteria provided, multiple submitters, no conflicts (2 of 4 stars). 5 submissions from 5 submitters: Benign (2); Likely benign (2). 1 of the submissions does not count toward it. Last evaluated 2026-07-01.

Conditions:
Townes syndrome (TBS). Also called: Townes-Brocks syndrome. Identifiers: Orphanet 857, MedGen C0265246, MeSH C536974, MONDO:0007142.
SALL1-related disorder. Also called: SALL1-related condition.

Allele frequency attached by ClinVar (database versions not stated): gnomAD exomes 0.00018 and 0.00025; gnomAD 0.00019; TOPMed 0.00019; ESP Exome Variant Server 0.00023; ExAC 0.00027.
gnomAD v4.1: 304 of 1,614,146 alleles (0.019%); highest among the groups gnomAD compares: Middle Eastern, 0.15%; 1 homozygote.

Submissions (5):

CeGaT Center for Human Genetics Tuebingen
Classification: Likely benign. Last evaluated: 2026-07-01. Review status: criteria provided, single submitter. Criteria: CeGaT Center For Human Genetics Tuebingen Variant Classification Criteria Version 2. Collection method: clinical testing. Allele origin: germline. Affected: yes. Observed: 2 variant alleles.
Comment: SALL1: BP4, BP7

Labcorp Genetics (formerly Invitae), Labcorp
Classification: Benign for Townes syndrome. Last evaluated: 2025-06-19. Review status: criteria provided, single submitter. Criteria: Invitae Variant Classification Sherloc (09022015). Collection method: clinical testing. Allele origin: germline.

Blueprint Genetics
Classification: Likely benign. Last evaluated: 2024-11-19. Review status: criteria provided, single submitter. Criteria: ACMG Guidelines, 2015. Collection method: clinical testing. Allele origin: germline.

GeneDx
Classification: Benign. Last evaluated: 2020-03-04. Review status: criteria provided, single submitter. Criteria: GeneDx Variant Classification Process June 2021. Collection method: clinical testing. Allele origin: germline. Affected: yes.

PreventionGenetics, part of Exact Sciences
Classification: Likely benign for SALL1-related condition. Last evaluated: 2023-09-05. Review status: no assertion criteria provided. Collection method: clinical testing. Allele origin: germline. Not counted in ClinVar's aggregate classification.
Comment: This variant is classified as likely benign based on ACMG/AMP sequence variant interpretation guidelines (Richards et al. 2015 PMID: 25741868, with internal and published modifications).